The following is an entry in ClinVar:

ClinVar aggregate classification (germline): Benign. Review status: criteria provided, multiple submitters, no conflicts (2 of 4 stars). 2 submissions from 2 submitters: Benign (2). Last evaluated 2018-01-12.

Conditions:
Arrhythmogenic right ventricular dysplasia 11. Also called: Arrhythmogenic Right Ventricular Dysplasia/Cardiomyopathy11; ARRHYTHMOGENIC RIGHT VENTRICULAR DYSPLASIA, FAMILIAL, 11; Arrhythmogenic right ventricular dysplasia 11 with mild palmoplantar keratoderma and woolly hair. Identifiers: MedGen C1864850, MONDO:0012506, OMIM 610476.

Allele frequency attached by ClinVar (database versions not stated): gnomAD exomes 0.00536; TOPMed 0.01441; 1000 Genomes Project 0.01637; 1000 Genomes Project 30x 0.01827.
gnomAD v4.1: 4,710 of 814,950 alleles (0.58%); highest among the groups gnomAD compares: Admixed American, 8.9%; 254 homozygotes.

Submissions (2):

Illumina Laboratory Services, Illumina
Classification: Benign for Arrhythmogenic right ventricular dysplasia 11. Last evaluated: 2018-01-12. Review status: criteria provided, single submitter. Criteria: ICSL Variant Classification Criteria 13 December 2019. Collection method: clinical testing. Allele origin: germline.
Comment: This variant was observed in the ICSL laboratory as part of a predisposition screen in an ostensibly healthy population. It had not been previously curated by ICSL or reported in the Human Gene Mutation Database (HGMD: prior to June 1st, 2018), and was therefore a candidate for classification through an automated scoring system. Utilizing variant allele frequency, disease prevalence and penetrance estimates, and inheritance mode, an automated score was calculated to assess if this variant is too frequent to cause the disease. Based on the score and internal cut-off values, a variant classified as benign is not then subjected to further curation. The score for this variant resulted in a classification of benign for this disease.

Breakthrough Genomics
Classification: Benign. Review status: criteria provided, single submitter. Criteria: ACMG Guidelines, 2015. Collection method: not provided. Allele origin: germline. Inheritance: Autosomal dominant inheritance. Affected: yes.

NM_024422.6(DSC2):c.*133G>A

Gene: DSC2 (desmocollin 2; minus strand). Cytogenetic location: 18q12.1.
Variant type: single nucleotide variant.
Coding change: c.*133G>A on transcript NM_024422.6 (MANE Select); 133 bases downstream of the stop codon, G replaced by A.
Molecular consequence: 3 prime UTR variant.
Genome position (GRCh38, 1-based): chr18:31,067,882, C>T on the plus strand (G>A on the coding strand, the complement: DSC2 is on the minus strand). VCF-style: chr18-31067882-C-T. GRCh37 (hg19) VCF-style: chr18-28647848-C-T.
Other names: c.*341G>A (NM_004949.5).
Identifiers: ClinVar variation 326391 (VCV000326391.6), dbSNP rs139923163, ClinGen allele CA10647426.